The following is an entry in ClinVar:

NM_017763.6(RNF43):c.571C>T (p.Pro191Ser)

Gene: RNF43 (ring finger protein 43; minus strand). Cytogenetic location: 17q22.
Variant type: single nucleotide variant.
Coding change: c.571C>T on transcript NM_017763.6 (MANE Select); coding-DNA position 571, C replaced by T.
Protein change: p.Pro191Ser; replaces proline 191 with serine.
Molecular consequence: missense variant.
Genome position (GRCh38, 1-based): chr17:58,363,286, G>A on the plus strand (C>T on the coding strand, the complement: RNF43 is on the minus strand). VCF-style: chr17-58363286-G-A. GRCh37 (hg19) VCF-style: chr17-56440647-G-A.
Other names: c.571C>T, p.Pro191Ser (NM_001305544.3); c.190C>T, p.Pro64Ser (NM_001305545.2); c.571C>T (NM_017763.4); short protein forms P64S, P191S.
Identifiers: ClinVar variation 3714091 (VCV003714091.3).
Genomic context (GRCh38, chr17:58,363,286, plus strand): 5'-CAAAGTAGGGCTAAGTGCAGGGCAAGGTCTGGAGGTCTAGTGTGCTTACCCAGGCCGGGG[G>A]CTCCTTCAGCTCAATCCTCACATGGGCCTTTTGGTTCTTGTACACAAACTCCATCAGCTT-3'
Protein context (NP_060233.3, residues 181-201): KAHVRIELKE[Pro191Ser]PAWPDYDVWI

ClinVar aggregate classification (germline): Uncertain significance. Review status: criteria provided, multiple submitters, no conflicts (2 of 4 stars). 2 submissions from 2 submitters: Uncertain significance (2). Last evaluated 2026-05-30.

gnomAD v4.1: 4 of 1,613,764 alleles (0.00025%); highest among the groups gnomAD compares: Non-Finnish European, 0.00025%; no homozygotes.

Submissions (2):

Ambry Genetics
Classification: Uncertain significance. Last evaluated: 2026-05-30. Review status: criteria provided, single submitter. Criteria: Ambry Variant Classification Scheme 2023. Collection method: clinical testing. Allele origin: germline.
Comment: The p.P191S variant (also known as c.571C>T), located in coding exon 4 of the RNF43 gene, results from a C to T substitution at nucleotide position 571. The proline at codon 191 is replaced by serine, an amino acid with similar properties. This amino acid position is conserved. In addition, this alteration is predicted to be tolerated by in silico analysis. Based on the available evidence, the clinical significance of this variant remains unclear.

Labcorp Genetics (formerly Invitae), Labcorp
Classification: Uncertain significance. Last evaluated: 2024-02-25. Review status: criteria provided, single submitter. Criteria: Invitae Variant Classification Sherloc (09022015). Collection method: clinical testing. Allele origin: germline.
Comment: This sequence change replaces proline, which is neutral and non-polar, with serine, which is neutral and polar, at codon 191 of the RNF43 protein (p.Pro191Ser). This variant is present in population databases (rs762889537, gnomAD 0.005%). This variant has not been reported in the literature in individuals affected with RNF43-related conditions. Algorithms developed to predict the effect of missense changes on protein structure and function output the following: SIFT: "Not Available"; PolyPhen-2: "Benign"; Align-GVGD: "Not Available". The serine amino acid residue is found in multiple mammalian species, which suggests that this missense change does not adversely affect protein function. In summary, the available evidence is currently insufficient to determine the role of this variant in disease. Therefore, it has been classified as a Variant of Uncertain Significance.